The following is an entry in ClinVar:

ClinVar aggregate classification (germline): Uncertain significance (1 of 4 stars; one submission).

Allele frequency attached by ClinVar (database versions not stated): ExAC 0.00004; gnomAD 0.00009; TOPMed 0.00015; ESP Exome Variant Server 0.00023.
gnomAD v4.1: 28 of 1,613,654 alleles (0.0017%); highest among the groups gnomAD compares: African/African-American, 0.031%; no homozygotes.

Submission:

Labcorp Genetics (formerly Invitae), Labcorp
Classification: Uncertain significance. Last evaluated: 2025-08-08. Review status: criteria provided, single submitter. Criteria: Invitae Variant Classification Sherloc (09022015). Collection method: clinical testing. Allele origin: germline.
Comment: This sequence change replaces isoleucine, which is neutral and non-polar, with methionine, which is neutral and non-polar, at codon 5628 of the HMCN1 protein (p.Ile5628Met). This variant is present in population databases (rs145792199, gnomAD 0.04%). This variant has not been reported in the literature in individuals affected with HMCN1-related conditions. ClinVar contains an entry for this variant (Variation ID: 2187596). An algorithm developed to predict the effect of missense changes on protein structure and function (PolyPhen-2) suggests that this variant is likely to be disruptive. In summary, the available evidence is currently insufficient to determine the role of this variant in disease. Therefore, it has been classified as a Variant of Uncertain Significance.

NM_031935.3(HMCN1):c.16884A>G (p.Ile5628Met)

Gene: HMCN1 (hemicentin 1; plus strand). Cytogenetic location: 1q31.1.
Variant type: single nucleotide variant.
Coding change: c.16884A>G on transcript NM_031935.3 (MANE Select); coding-DNA position 16884, A replaced by G.
Protein change: p.Ile5628Met; replaces isoleucine 5628 with methionine.
Molecular consequence: missense variant.
Genome position (GRCh38, 1-based): chr1:186,189,854, A>G. VCF-style: chr1-186189854-A-G. GRCh37 (hg19) VCF-style: chr1-186158986-A-G.
Other names: short protein forms I5628M.
Identifiers: ClinVar variation 2187596 (VCV002187596.4), dbSNP rs145792199, ClinGen allele CA1295668.